The following is an entry in ClinVar:

ClinVar aggregate classification (germline): Uncertain significance. Review status: criteria provided, single submitter (1 of 4 stars). 2 submissions from 2 submitters: Uncertain significance (1). 1 of the submissions does not count toward it. Last evaluated 2023-03-06.

Conditions:
Hereditary cancer-predisposing syndrome. Also called: Hereditary neoplastic syndrome; Neoplastic Syndromes, Hereditary; Tumor predisposition; Hereditary Cancer Syndrome. Identifiers: Orphanet 140162, MedGen C0027672, MeSH D009386, MONDO:0015356.

Submissions (2):

Ambry Genetics
Classification: Uncertain significance for Hereditary cancer-predisposing syndrome. Last evaluated: 2023-03-06. Review status: criteria provided, single submitter. Criteria: Ambry Variant Classification Scheme 2023. Collection method: clinical testing. Allele origin: germline.
Comment: The p.E71D variant (also known as c.213A>C), located in coding exon 4 of the PALB2 gene, results from an A to C substitution at nucleotide position 213. The glutamic acid at codon 71 is replaced by aspartic acid, an amino acid with highly similar properties. This alteration was observed with an allele frequency of 0.00014 in 7,051 unselected female breast cancer patients and was not observed in 11,241 female controls of Japanese ancestry (Momozawa Y et al. Nat Commun, 2018 Oct;9:4083). This amino acid position is highly conserved in available vertebrate species. In addition, this alteration is predicted to be tolerated by in silico analysis. Since supporting evidence is limited at this time, the clinical significance of this alteration remains unclear.

Leiden Open Variation Database
Classification: Uncertain significance. Last evaluated: 2018-10-10. Review status: no assertion criteria provided. Collection method: curation. Allele origin: germline. Affected: yes. Not counted in ClinVar's aggregate classification.
Comment: Curators: Marc Tischkowitz, Arleen D. Auerbach. Submitter to LOVD: Yukihide Momozawa.

Literature cited by the submitters: PubMed 30287823 (cited by Ambry Genetics and Leiden Open Variation Database).

NM_024675.4(PALB2):c.213A>C (p.Glu71Asp)

Gene: PALB2 (partner and localizer of BRCA2; minus strand). Cytogenetic location: 16p12.2.
Variant type: single nucleotide variant.
Coding change: c.213A>C on transcript NM_024675.4 (MANE Select); coding-DNA position 213, A replaced by C.
Protein change: p.Glu71Asp; replaces glutamic acid 71 with aspartic acid.
Molecular consequence: missense variant.
Genome position (GRCh38, 1-based): chr16:23,636,333, T>G on the plus strand (A>C on the coding strand, the complement: PALB2 is on the minus strand). VCF-style: chr16-23636333-T-G. GRCh37 (hg19) VCF-style: chr16-23647654-T-G.
Other names: short protein forms E71D.
Identifiers: ClinVar variation 830094 (VCV000830094.3), dbSNP rs1967062173, ClinGen allele CA395138992.